The following is an entry in ClinVar:

ClinVar aggregate classification (germline): Likely benign (1 of 4 stars; one submission).

Conditions:
KMT2D-related disorder. Also called: KMT2D-Related Disorders.

gnomAD v4.1: 3 of 1,613,936 alleles (0.00019%); highest among the groups gnomAD compares: Middle Eastern, 0.017%; no homozygotes.

Submission:

PreventionGenetics, part of Exact Sciences
Classification: Likely benign for KMT2D-related condition. Last evaluated: 2025-08-29. Review status: criteria provided, single submitter. Criteria: ACMG Guidelines, 2015. Collection method: clinical testing. Allele origin: germline.
Comment: This variant is classified as likely benign based on ACMG/AMP sequence variant interpretation guidelines (Richards et al. 2015 PMID: 25741868, with internal and published modifications).

NM_003482.4(KMT2D):c.5189-6C>T

Gene: KMT2D (lysine methyltransferase 2D; minus strand). Cytogenetic location: 12q13.12.
Variant type: single nucleotide variant.
Coding change: c.5189-6C>T on transcript NM_003482.4 (MANE Select); 6 bases into the intron before coding-DNA position 5189, C replaced by T.
Molecular consequence: intron variant.
Genome position (GRCh38, 1-based): chr12:49,044,004, G>A on the plus strand (C>T on the coding strand, the complement: KMT2D is on the minus strand). VCF-style: chr12-49044004-G-A. GRCh37 (hg19) VCF-style: chr12-49437787-G-A.
Identifiers: ClinVar variation 4980659 (VCV004980659.1).
Genomic context (GRCh38, chr12:49,044,004, plus strand): 5'-CCTTCAGCTAAGCTCTGCTCCACGGCGCCCTCTGCAGGCAGGTCAGCAGGTATCACTGTG[G>A]ACAGAACGGAAGTGTCAGACTCGGGTTGAGAGCATGCTGCTCCCAACTTGCAGGGTGACA-3'